The following is an entry in ClinVar:

ClinVar aggregate classification (germline): Uncertain significance (1 of 4 stars; one submission).

gnomAD v4.1: 1 of 1,606,284 alleles (0.000062%); highest among the groups gnomAD compares: Admixed American, 0.0017%; no homozygotes.

Submission:

Labcorp Genetics (formerly Invitae), Labcorp
Classification: Uncertain significance. Last evaluated: 2021-09-15. Review status: criteria provided, single submitter. Criteria: Invitae Variant Classification Sherloc (09022015). Collection method: clinical testing. Allele origin: germline.
Comment: In summary, the available evidence is currently insufficient to determine the role of this variant in disease. Therefore, it has been classified as a Variant of Uncertain Significance. Variants that disrupt the consensus splice site are a relatively common cause of aberrant splicing (PMID: 17576681, 9536098). Algorithms developed to predict the effect of sequence changes on RNA splicing suggest that this variant may disrupt the consensus splice site. This variant has not been reported in the literature in individuals affected with SBF1-related conditions. This variant is not present in population databases (ExAC no frequency). This sequence change falls in intron 14 of the SBF1 gene. It does not directly change the encoded amino acid sequence of the SBF1 protein. It affects a nucleotide within the consensus splice site of the intron.

Literature cited by the submitters: PubMed 17576681; PubMed 9536098.

NM_002972.4(SBF1):c.1636+4C>G

Gene: SBF1 (SET binding factor 1; minus strand). Cytogenetic location: 22q13.33.
Variant type: single nucleotide variant.
Coding change: c.1636+4C>G on transcript NM_002972.4 (MANE Select); 4 bases into the intron after coding-DNA position 1636, C replaced by G.
Molecular consequence: intron variant.
Genome position (GRCh38, 1-based): chr22:50,464,530, G>C on the plus strand (C>G on the coding strand, the complement: SBF1 is on the minus strand). VCF-style: chr22-50464530-G-C. GRCh37 (hg19) VCF-style: chr22-50902959-G-C.
Other names: c.1639+4C>G (NM_001365819.1).
Identifiers: ClinVar variation 1517982 (VCV001517982.6), dbSNP rs564915156, ClinGen allele CA640356368.